The following is an entry in ClinVar:

ClinVar aggregate classification (germline): Uncertain significance. Review status: criteria provided, multiple submitters, no conflicts (2 of 4 stars). 2 submissions from 2 submitters: Uncertain significance (2). Last evaluated 2026-01-13.

Allele frequency attached by ClinVar (database versions not stated): TOPMed below 0.00001.
gnomAD v4.1: 10 of 1,614,214 alleles (0.00062%); highest among the groups gnomAD compares: Non-Finnish European, 0.00076%; no homozygotes.

Submissions (2):

Labcorp Genetics (formerly Invitae), Labcorp
Classification: Uncertain significance. Last evaluated: 2026-01-13. Review status: criteria provided, single submitter. Criteria: Invitae Variant Classification Sherloc (09022015). Collection method: clinical testing. Allele origin: germline.
Comment: This sequence change replaces aspartic acid, which is acidic and polar, with histidine, which is basic and polar, at codon 122 of the MYLK3 protein (p.Asp122His). This variant is not present in population databases (gnomAD no frequency). This variant has not been reported in the literature in individuals affected with MYLK3-related conditions. ClinVar contains an entry for this variant (Variation ID: 3160190). An algorithm developed to predict the effect of missense changes on protein structure and function (PolyPhen-2) suggests that this variant is likely to be disruptive. In summary, the available evidence is currently insufficient to determine the role of this variant in disease. Therefore, it has been classified as a Variant of Uncertain Significance.

Ambry Genetics
Classification: Uncertain significance. Last evaluated: 2023-12-06. Review status: criteria provided, single submitter. Criteria: Ambry Variant Classification Scheme 2023. Collection method: clinical testing. Allele origin: germline.

NM_182493.3(MYLK3):c.364G>C (p.Asp122His)

Gene: MYLK3 (myosin light chain kinase 3; minus strand). Cytogenetic location: 16q11.2.
Variant type: single nucleotide variant.
Coding change: c.364G>C on transcript NM_182493.3 (MANE Select); coding-DNA position 364, G replaced by C.
Protein change: p.Asp122His; replaces aspartic acid 122 with histidine.
Molecular consequence: missense variant. On other transcripts: intron variant (1).
Genome position (GRCh38, 1-based): chr16:46,747,830, C>G on the plus strand (G>C on the coding strand, the complement: MYLK3 is on the minus strand). VCF-style: chr16-46747830-C-G. GRCh37 (hg19) VCF-style: chr16-46781742-C-G.
Other names: c.-113-7683G>C (NM_001308301.1); short protein forms D122H.
Identifiers: ClinVar variation 3160190 (VCV003160190.2), dbSNP rs1967055624, ClinGen allele CA395796962.